The following is an entry in ClinVar:

ClinVar aggregate classification (germline): Pathogenic (1 of 4 stars; one submission).

Submission:

Labcorp Genetics (formerly Invitae), Labcorp
Classification: Pathogenic. Last evaluated: 2024-01-17. Review status: criteria provided, single submitter. Criteria: Invitae Variant Classification Sherloc (09022015). Collection method: clinical testing. Allele origin: germline.
Comment: This sequence change creates a premature translational stop signal (p.Asp586Alafs*63) in the ABCA4 gene. It is expected to result in an absent or disrupted protein product. Loss-of-function variants in ABCA4 are known to be pathogenic (PMID: 10958761, 24938718, 25312043, 26780318). This variant is not present in population databases (gnomAD no frequency). This variant has not been reported in the literature in individuals affected with ABCA4-related conditions. ClinVar contains an entry for this variant (Variation ID: 1457833). For these reasons, this variant has been classified as Pathogenic.

Literature cited by the submitters: PubMed 10958761; PubMed 24938718; PubMed 25312043; PubMed 26780318.

NM_000350.3(ABCA4):c.1757del (p.Asp586fs)

Gene: ABCA4 (ATP binding cassette subfamily A member 4; minus strand). Cytogenetic location: 1p22.1.
Variant type: Deletion.
Coding change: c.1757del on transcript NM_000350.3 (MANE Select); coding-DNA position 1757, one base deleted (A; older notation c.1757delA).
Protein change: p.Asp586fs; shifts the reading frame from aspartic acid 586.
Molecular consequence: frameshift variant.
Genome position (GRCh38, 1-based): chr1:94,063,115, T deleted on the plus strand (A on the coding strand, the reverse complement: ABCA4 is on the minus strand). VCF-style (leftmost placement, unchanged base first): chr1-94063114-GT-G. GRCh37 (hg19) VCF-style: chr1-94528670-GT-G.
Other names: c.1757delA, p.Asp586Alafs (NM_001425324.1); short protein forms D586fs.
Identifiers: ClinVar variation 1457833 (VCV001457833.6), dbSNP rs2101079010, ClinGen allele CA2573132707.